The following is an entry in ClinVar:

NM_000548.5(TSC2):c.764C>A (p.Pro255His)

Gene: TSC2 (TSC complex subunit 2; plus strand). Cytogenetic location: 16p13.3.
Variant type: single nucleotide variant.
Coding change: c.764C>A on transcript NM_000548.5 (MANE Select); coding-DNA position 764, C replaced by A.
Protein change: p.Pro255His; replaces proline 255 with histidine.
Molecular consequence: missense variant.
Genome position (GRCh38, 1-based): chr16:2,056,759, C>A. VCF-style: chr16-2056759-C-A. GRCh37 (hg19) VCF-style: chr16-2106760-C-A.
Other names: c.764C>A, p.Pro255His (NM_001077183.3, NM_001114382.3, NM_001363528.2 and 3 more transcripts); c.653C>A, p.Pro218His (NM_001318827.2); c.617C>A, p.Pro206His (NM_001318829.2); c.164C>A, p.Pro55His (NM_001318831.2); c.797C>A, p.Pro266His (NM_001318832.2); c.764C>A (NM_000548.3); short protein forms P266H, P55H, P206H, P255H, P218H.
Identifiers: ClinVar variation 1489100 (VCV001489100.10), dbSNP rs2085896951, ClinGen allele CA394312806.

ClinVar aggregate classification (germline): Uncertain significance. Review status: criteria provided, multiple submitters, no conflicts (2 of 4 stars). 3 submissions from 3 submitters: Uncertain significance (3). Last evaluated 2026-05-14.

Conditions:
Tuberous sclerosis syndrome (TSC). Also called: Tuberous Sclerosis Complex; Tuberous sclerosis. Identifiers: Orphanet 805, MedGen C0041341, MONDO:0001734.
Tuberous sclerosis 2 (TSC2). Identifiers: Orphanet 805, MedGen C1860707, MONDO:0013199, OMIM 613254.
Hereditary cancer-predisposing syndrome. Also called: Tumor predisposition; Neoplastic Syndromes, Hereditary; Hereditary Cancer Syndrome; Hereditary neoplastic syndrome. Identifiers: Orphanet 140162, MedGen C0027672, MeSH D009386, MONDO:0015356.

Allele frequency attached by ClinVar (database versions not stated): gnomAD exomes below 0.00001.
gnomAD v4.1: 1 of 1,609,428 alleles (0.000062%); highest among the groups gnomAD compares: South Asian, 0.0011%; no homozygotes.

Submissions (3):

Ambry Genetics
Classification: Uncertain significance for Hereditary cancer-predisposing syndrome. Last evaluated: 2026-05-14. Review status: criteria provided, single submitter. Criteria: Ambry Variant Classification Scheme 2023. Collection method: clinical testing. Allele origin: germline.
Comment: The p.P255H variant (also known as c.764C>A), located in coding exon 7 of the TSC2 gene, results from a C to A substitution at nucleotide position 764. The proline at codon 255 is replaced by histidine, an amino acid with similar properties. This amino acid position is conserved. In addition, the in silico prediction for this alteration is inconclusive. Based on the available evidence, the clinical significance of this variant remains unclear.

Labcorp Genetics (formerly Invitae), Labcorp
Classification: Uncertain significance for Tuberous sclerosis 2. Last evaluated: 2024-02-25. Review status: criteria provided, single submitter. Criteria: Invitae Variant Classification Sherloc (09022015). Collection method: clinical testing. Allele origin: germline.
Comment: This sequence change replaces proline, which is neutral and non-polar, with histidine, which is basic and polar, at codon 255 of the TSC2 protein (p.Pro255His). This variant is not present in population databases (gnomAD no frequency). This variant has not been reported in the literature in individuals affected with TSC2-related conditions. ClinVar contains an entry for this variant (Variation ID: 1489100). Advanced modeling of protein sequence and biophysical properties (such as structural, functional, and spatial information, amino acid conservation, physicochemical variation, residue mobility, and thermodynamic stability) performed at Invitae indicates that this missense variant is not expected to disrupt TSC2 protein function with a negative predictive value of 95%. In summary, the available evidence is currently insufficient to determine the role of this variant in disease. Therefore, it has been classified as a Variant of Uncertain Significance.

All of Us Research Program, National Institutes of Health
Classification: Uncertain significance for Tuberous sclerosis syndrome. Last evaluated: 2023-05-16. Review status: criteria provided, single submitter. Criteria: ACMG Guidelines, 2015. Collection method: clinical testing. Allele origin: germline. Inheritance: Autosomal dominant inheritance. Observed: 1 variant allele, 1 heterozygote.
Comment: This missense variant replaces proline with histidine at codon 255 of the TSC2 protein. Computational prediction suggests that this variant may not impact protein structure and function (internally defined REVEL score threshold <= 0.5, PMID: 27666373). To our knowledge, functional studies have not been reported for this variant. This variant has not been reported in individuals affected with TSC2-related disorders in the literature. This variant has not been identified in the general population by the Genome Aggregation Database (gnomAD). The available evidence is insufficient to determine the role of this variant in disease conclusively. Therefore, this variant is classified as a Variant of Uncertain Significance.

This study involves interpretation of variants in research participants for the purpose of population health screening. Participant phenotype was not available at the time of variant classification. Additional details can be found in publication PMID: 35346344, PMCID: PMC8962531